The following is an entry in ClinVar:

NM_145239.3(PRRT2):c.653T>G (p.Val218Gly)

Genes: MVP-DT (MVP divergent transcript; minus strand), PRRT2 (proline rich transmembrane protein 2; plus strand). Cytogenetic location: 16p11.2.
Variant type: single nucleotide variant.
Coding change: c.653T>G on transcript NM_145239.3 (MANE Select); coding-DNA position 653, T replaced by G.
Protein change: p.Val218Gly; replaces valine 218 with glycine.
Molecular consequence: missense variant.
Genome position (GRCh38, 1-based): chr16:29,813,707, T>G. VCF-style: chr16-29813707-T-G. GRCh37 (hg19) VCF-style: chr16-29825028-T-G.
Other names: c.653T>G, p.Val218Gly (NM_001256442.2, NM_001256443.2); c.653T>G (NM_145239.2); short protein forms V218G.
Identifiers: ClinVar variation 1498796 (VCV001498796.7), dbSNP rs2142426094, ClinGen allele CA395479181.
Genomic context (GRCh38, chr16:29,813,707, plus strand): 5'-CTGAGCCTCACTCACCACCCTCAAAAAAATCCCCCCCAGCCAATGGGGCCCCCCCCCGAG[T>G]GCTGCAGCAGCTGGTTGAGGAGGATCGAATGAGAAGGGCACACAGTGGGCATCCAGGATC-3'
Protein context (NP_660282.2, residues 208-228): SPPANGAPPR[Val218Gly]LQQLVEEDRM

ClinVar aggregate classification (germline): Uncertain significance. Review status: criteria provided, multiple submitters, no conflicts (2 of 4 stars). 2 submissions from 2 submitters: Uncertain significance (2). Last evaluated 2024-08-14.

Conditions:
Episodic kinesigenic dyskinesia (EKD). Also called: Paroxysmal kinesigenic dyskinesia. Identifiers: Orphanet 98809, MedGen C1868682, MONDO:0044202.
Inborn genetic diseases. Identifiers: MedGen C0950123, MeSH D030342.

Submissions (2):

Ambry Genetics
Classification: Uncertain significance for Inborn genetic diseases. Last evaluated: 2024-08-14. Review status: criteria provided, single submitter. Criteria: Ambry Variant Classification Scheme 2023. Collection method: clinical testing. Allele origin: germline.

Labcorp Genetics (formerly Invitae), Labcorp
Classification: Uncertain significance for Episodic kinesigenic dyskinesia. Last evaluated: 2023-08-17. Review status: criteria provided, single submitter. Criteria: Invitae Variant Classification Sherloc (09022015). Collection method: clinical testing. Allele origin: germline.
Comment: Advanced modeling of protein sequence and biophysical properties (such as structural, functional, and spatial information, amino acid conservation, physicochemical variation, residue mobility, and thermodynamic stability) performed at Invitae indicates that this missense variant is not expected to disrupt PRRT2 protein function. In summary, the available evidence is currently insufficient to determine the role of this variant in disease. Therefore, it has been classified as a Variant of Uncertain Significance. ClinVar contains an entry for this variant (Variation ID: 1498796). This variant has not been reported in the literature in individuals affected with PRRT2-related conditions. This variant is not present in population databases (gnomAD no frequency). This sequence change replaces valine, which is neutral and non-polar, with glycine, which is neutral and non-polar, at codon 218 of the PRRT2 protein (p.Val218Gly).